The following is an entry in ClinVar:

ClinVar aggregate classification (germline): Uncertain significance. Review status: criteria provided, multiple submitters, no conflicts (2 of 4 stars). 2 submissions from 2 submitters: Uncertain significance (2). Last evaluated 2025-04-14.

Conditions:
Inborn genetic diseases. Identifiers: MedGen C0950123, MeSH D030342.
Sphingolipid activator protein 1 deficiency. Also called: Saposin B Deficiency; Metachromatic leukodystrophy due to saposin B deficiency; METACHROMATIC LEUKODYSTROPHY DUE TO CEREBROSIDE SULFATASE ACTIVATOR DEFICIENCY. Identifiers: Orphanet 512, MedGen C0268262, MONDO:0009590, OMIM 249900.

Allele frequency attached by ClinVar (database versions not stated): ESP Exome Variant Server 0.00008.

Submissions (2):

Ambry Genetics
Classification: Uncertain significance for Inborn genetic diseases. Last evaluated: 2025-04-14. Review status: criteria provided, single submitter. Criteria: Ambry Variant Classification Scheme 2023. Collection method: clinical testing. Allele origin: germline.

Labcorp Genetics (formerly Invitae), Labcorp
Classification: Uncertain significance for Sphingolipid activator protein 1 deficiency. Last evaluated: 2021-12-08. Review status: criteria provided, single submitter. Criteria: Invitae Variant Classification Sherloc (09022015). Collection method: clinical testing. Allele origin: germline.
Comment: This sequence change replaces isoleucine, which is neutral and non-polar, with threonine, which is neutral and polar, at codon 65 of the PSAP protein (p.Ile65Thr). This variant is present in population databases (rs372262659, gnomAD 0.002%). This variant has not been reported in the literature in individuals affected with PSAP-related conditions. Algorithms developed to predict the effect of missense changes on protein structure and function are either unavailable or do not agree on the potential impact of this missense change (SIFT: "Not Available"; PolyPhen-2: "Benign"; Align-GVGD: "Not Available"). In summary, the available evidence is currently insufficient to determine the role of this variant in disease. Therefore, it has been classified as a Variant of Uncertain Significance.

NM_002778.4(PSAP):c.194T>C (p.Ile65Thr)

Gene: PSAP (prosaposin; minus strand). Cytogenetic location: 10q22.1.
Variant type: single nucleotide variant.
Coding change: c.194T>C on transcript NM_002778.4 (MANE Select); coding-DNA position 194, T replaced by C.
Protein change: p.Ile65Thr; replaces isoleucine 65 with threonine.
Molecular consequence: missense variant.
Genome position (GRCh38, 1-based): chr10:71,831,901, A>G on the plus strand (T>C on the coding strand, the complement: PSAP is on the minus strand). VCF-style: chr10-71831901-A-G. GRCh37 (hg19) VCF-style: chr10-73591658-A-G.
Other names: c.194T>C, p.Ile65Thr (NM_001042465.3, NM_001042466.3); c.194T>C (NM_002778.2); short protein forms I65T.
Identifiers: ClinVar variation 1472661 (VCV001472661.4), dbSNP rs372262659, ClinGen allele CA5547852.